The following is an entry in ClinVar:

ClinVar aggregate classification (germline): Uncertain significance (1 of 4 stars; one submission).

Allele frequency attached by ClinVar (database versions not stated): gnomAD exomes below 0.00001.
gnomAD v4.1: 1 of 1,613,932 alleles (0.000062%); highest among the groups gnomAD compares: Non-Finnish European, 0.000085%; no homozygotes.

Submission:

Labcorp Genetics (formerly Invitae), Labcorp
Classification: Uncertain significance. Last evaluated: 2023-03-11. Review status: criteria provided, single submitter. Criteria: Invitae Variant Classification Sherloc (09022015). Collection method: clinical testing. Allele origin: germline.
Comment: In summary, the available evidence is currently insufficient to determine the role of this variant in disease. Therefore, it has been classified as a Variant of Uncertain Significance. Advanced modeling of protein sequence and biophysical properties (such as structural, functional, and spatial information, amino acid conservation, physicochemical variation, residue mobility, and thermodynamic stability) performed at Invitae indicates that this missense variant is not expected to disrupt SMARCB1 protein function. This variant has not been reported in the literature in individuals affected with SMARCB1-related conditions. This variant is not present in population databases (gnomAD no frequency). This sequence change replaces isoleucine, which is neutral and non-polar, with valine, which is neutral and non-polar, at codon 241 of the SMARCB1 protein (p.Ile241Val).

NM_003073.5(SMARCB1):c.721A>G (p.Ile241Val)

Gene: SMARCB1 (SWI/SNF related BAF chromatin remodeling complex subunit B1; plus strand). Cytogenetic location: 22q11.23.
Variant type: single nucleotide variant.
Coding change: c.721A>G on transcript NM_003073.5 (MANE Select); coding-DNA position 721, A replaced by G.
Protein change: p.Ile241Val; replaces isoleucine 241 with valine.
Molecular consequence: missense variant.
Genome position (GRCh38, 1-based): chr22:23,816,862, A>G. VCF-style: chr22-23816862-A-G. GRCh37 (hg19) VCF-style: chr22-24159049-A-G.
Other names: c.694A>G, p.Ile232Val (NM_001007468.3); c.748A>G, p.Ile250Val (NM_001317946.2); c.775A>G, p.Ile259Val (NM_001362877.2); short protein forms I250V, I241V, I232V, I259V.
Identifiers: ClinVar variation 2888808 (VCV002888808.3), dbSNP rs2146010017, ClinGen allele CA410901489.